The following is an entry in ClinVar:

NM_177438.3(DICER1):c.4315G>T (p.Glu1439Ter)

Gene: DICER1 (dicer 1, ribonuclease III; minus strand). Cytogenetic location: 14q32.13.
Variant type: single nucleotide variant.
Coding change: c.4315G>T on transcript NM_177438.3 (MANE Select); coding-DNA position 4315, G replaced by T.
Protein change: p.Glu1439Ter; replaces glutamic acid 1439 with a stop codon.
Molecular consequence: nonsense. On other transcripts: non-coding transcript variant (6).
Genome position (GRCh38, 1-based): chr14:95,096,605, C>A on the plus strand (G>T on the coding strand, the complement: DICER1 is on the minus strand). VCF-style: chr14-95096605-C-A. GRCh37 (hg19) VCF-style: chr14-95562942-C-A.
Other names: c.4315G>T, p.Glu1439Ter (NM_001195573.1, NM_001271282.3, NM_001291628.2 and 12 more transcripts); c.4033G>T, p.Glu1345Ter (NM_001395686.1); c.3910G>T, p.Glu1304Ter (NM_001395687.1, NM_001395688.1, NM_001395689.1 and 2 more transcripts); c.3748G>T, p.Glu1250Ter (NM_001395691.1); c.2632G>T, p.Glu878Ter (NM_001395697.1); short protein forms E1250*, E1345*, E1439*, E1304*, E878*.
Identifiers: ClinVar variation 4843085 (VCV004843085.1).

ClinVar aggregate classification (germline): Pathogenic (1 of 4 stars; one submission).

Conditions:
Hereditary cancer-predisposing syndrome. Also called: Neoplastic Syndromes, Hereditary; Tumor predisposition; Hereditary Cancer Syndrome; Hereditary neoplastic syndrome. Identifiers: Orphanet 140162, MedGen C0027672, MeSH D009386, MONDO:0015356.

Submission:

Ambry Genetics
Classification: Pathogenic for Hereditary cancer-predisposing syndrome. Last evaluated: 2026-01-09. Review status: criteria provided, single submitter. Criteria: Ambry Variant Classification Scheme 2023. Collection method: clinical testing. Allele origin: germline.
Comment: The p.E1439* pathogenic mutation (also known as c.4315G>T), located in coding exon 22 of the DICER1 gene, results from a G to T substitution at nucleotide position 4315. This changes the amino acid from a glutamic acid to a stop codon within coding exon 22. This variant was reported in individual(s) with features consistent with DICER1-related tumor predisposition syndrome (Ambry internal data). This alteration is expected to result in loss of function by premature protein truncation or nonsense-mediated mRNA decay. As such, this alteration is interpreted as a disease-causing mutation.